The following is an entry in ClinVar:

NM_005739.4(RASGRP1):c.416T>C (p.Met139Thr)

Gene: RASGRP1 (RAS guanyl releasing protein 1; minus strand). Cytogenetic location: 15q14.
Variant type: single nucleotide variant.
Coding change: c.416T>C on transcript NM_005739.4 (MANE Select); coding-DNA position 416, T replaced by C.
Protein change: p.Met139Thr; replaces methionine 139 with threonine.
Molecular consequence: missense variant.
Genome position (GRCh38, 1-based): chr15:38,518,397, A>G on the plus strand (T>C on the coding strand, the complement: RASGRP1 is on the minus strand). VCF-style: chr15-38518397-A-G. GRCh37 (hg19) VCF-style: chr15-38810598-A-G.
Other names: c.416T>C, p.Met139Thr (NM_001128602.2, NM_001306086.2); short protein forms M139T.
Identifiers: ClinVar variation 2040237 (VCV002040237.4), dbSNP rs2542918525, ClinGen allele CA391655910.

ClinVar aggregate classification (germline): Uncertain significance (1 of 4 stars; one submission).

Allele frequency attached by ClinVar (database versions not stated): gnomAD exomes below 0.00001.

Submission:

Labcorp Genetics (formerly Invitae), Labcorp
Classification: Uncertain significance. Last evaluated: 2022-07-05. Review status: criteria provided, single submitter. Criteria: Invitae Variant Classification Sherloc (09022015). Collection method: clinical testing. Allele origin: germline.
Comment: In summary, the available evidence is currently insufficient to determine the role of this variant in disease. Therefore, it has been classified as a Variant of Uncertain Significance. Algorithms developed to predict the effect of missense changes on protein structure and function (SIFT, PolyPhen-2, Align-GVGD) all suggest that this variant is likely to be tolerated. This variant has not been reported in the literature in individuals affected with RASGRP1-related conditions. This variant is not present in population databases (gnomAD no frequency). This sequence change replaces methionine, which is neutral and non-polar, with threonine, which is neutral and polar, at codon 139 of the RASGRP1 protein (p.Met139Thr).